The following is an entry in ClinVar:

ClinVar aggregate classification (germline): Pathogenic (1 of 4 stars; one submission).

Conditions:
Cardiovascular phenotype. Identifiers: MedGen CN230736.
Hereditary cancer-predisposing syndrome. Also called: Tumor predisposition; Hereditary neoplastic syndrome; Neoplastic Syndromes, Hereditary; Hereditary Cancer Syndrome. Identifiers: Orphanet 140162, MedGen C0027672, MeSH D009386, MONDO:0015356.

Submission:

Ambry Genetics
Classification: Pathogenic for Cardiovascular phenotype; Hereditary cancer-predisposing syndrome. Last evaluated: 2025-05-05. Review status: criteria provided, single submitter. Criteria: Ambry Variant Classification Scheme 2023. Collection method: clinical testing. Allele origin: germline.
Comment: The c.7145delC pathogenic mutation, located in coding exon 48 of the NF1 gene, results from a deletion of one nucleotide at nucleotide position 7145, causing a translational frameshift with a predicted alternate stop codon (p.P2382Lfs*15). This variant is considered to be rare based on population cohorts in the Genome Aggregation Database (gnomAD). This alteration is expected to result in loss of function by premature protein truncation or nonsense-mediated mRNA decay. As such, this alteration is interpreted as a disease-causing mutation.

NM_001042492.3(NF1):c.7208del (p.Pro2403fs)

Gene: NF1 (neurofibromin 1; plus strand). Cytogenetic location: 17q11.2.
Variant type: Deletion.
Coding change: c.7208del on transcript NM_001042492.3 (MANE Select); coding-DNA position 7208, one base deleted (C; older notation c.7208delC).
Protein change: p.Pro2403fs; shifts the reading frame from proline 2403.
Molecular consequence: frameshift variant.
Genome position (GRCh38, 1-based): chr17:31,349,138, C deleted; the last of 2 consecutive C bases (chr17:31,349,137-31,349,138); deleting either gives the same sequence. VCF-style (leftmost placement, unchanged base first): chr17-31349136-AC-A. GRCh37 (hg19) VCF-style: chr17-29676154-AC-A.
Other names: c.7145delC (NM_000267.3); c.7145delC, p.Pro2382Leufs (NM_000267.4); short protein forms P2403fs, P2382fs.
Identifiers: ClinVar variation 4021701 (VCV004021701.1).